The following is an entry in ClinVar:

ClinVar aggregate classification (germline): Likely benign. Review status: criteria provided, multiple submitters, no conflicts (2 of 4 stars). 3 submissions from 3 submitters: Likely benign (2). 1 of the submissions does not count toward it. Last evaluated 2025-10-18.

Conditions:
MEGF10-related myopathy (CMYO10A). Also called: Congenital myopathy 10A, severe variant. Identifiers: Orphanet 439212, MedGen C3280679, MONDO:0013731, OMIM 614399.
MEGF10-related disorder. Also called: MEGF10-related condition.
Inborn genetic diseases. Identifiers: MedGen C0950123, MeSH D030342.

Allele frequency attached by ClinVar (database versions not stated): gnomAD 0.00001; gnomAD exomes 0.00001; ExAC 0.00002; TOPMed 0.00002.
gnomAD v4.1: 7 of 1,614,020 alleles (0.00043%); highest among the groups gnomAD compares: Admixed American, 0.0083%; no homozygotes.

Submissions (3):

Ambry Genetics
Classification: Likely benign for Inborn genetic diseases. Last evaluated: 2025-10-18. Review status: criteria provided, single submitter. Criteria: Ambry Variant Classification Scheme 2023. Collection method: clinical testing. Allele origin: germline.

Labcorp Genetics (formerly Invitae), Labcorp
Classification: Likely benign for MEGF10-related myopathy. Last evaluated: 2023-06-03. Review status: criteria provided, single submitter. Criteria: Invitae Variant Classification Sherloc (09022015). Collection method: clinical testing. Allele origin: germline.

PreventionGenetics, part of Exact Sciences
Classification: Likely benign for MEGF10-related condition. Last evaluated: 2020-06-01. Review status: no assertion criteria provided. Collection method: clinical testing. Allele origin: germline. Not counted in ClinVar's aggregate classification.
Comment: This variant is classified as likely benign based on ACMG/AMP sequence variant interpretation guidelines (Richards et al. 2015 PMID: 25741868, with internal and published modifications).

NM_001256545.2(MEGF10):c.918G>A (p.Arg306=)

Gene: MEGF10 (multiple EGF like domains 10; plus strand). Cytogenetic location: 5q23.2.
Variant type: single nucleotide variant.
Coding change: c.918G>A on transcript NM_001256545.2 (MANE Select); coding-DNA position 918, G replaced by A.
Protein change: p.Arg306=; no amino-acid change (arginine 306 retained).
Molecular consequence: synonymous variant.
Genome position (GRCh38, 1-based): chr5:127,410,389, G>A. VCF-style: chr5-127410389-G-A. GRCh37 (hg19) VCF-style: chr5-126746081-G-A.
Other names: c.918G>A (NM_032446.2); c.918G>A, p.Arg306= (NM_001308119.2, NM_001308121.2, NM_032446.3).
Identifiers: ClinVar variation 1061568 (VCV001061568.12), dbSNP rs200870082, ClinGen allele CA3391445.